The following is an entry in ClinVar:

ClinVar aggregate classification (germline): Uncertain significance (1 of 4 stars; one submission).

Allele frequency attached by ClinVar (database versions not stated): TOPMed below 0.00001.

Submission:

Labcorp Genetics (formerly Invitae), Labcorp
Classification: Uncertain significance. Last evaluated: 2022-06-20. Review status: criteria provided, single submitter. Criteria: Invitae Variant Classification Sherloc (09022015). Collection method: clinical testing. Allele origin: germline.
Comment: In summary, the available evidence is currently insufficient to determine the role of this variant in disease. Therefore, it has been classified as a Variant of Uncertain Significance. Algorithms developed to predict the effect of missense changes on protein structure and function (SIFT, PolyPhen-2, Align-GVGD) all suggest that this variant is likely to be tolerated. This variant has not been reported in the literature in individuals affected with CARMIL2-related conditions. This variant is not present in population databases (gnomAD no frequency). This sequence change replaces arginine, which is basic and polar, with serine, which is neutral and polar, at codon 301 of the CARMIL2 protein (p.Arg301Ser).

NM_001013838.3(CARMIL2):c.901C>A (p.Arg301Ser)

Gene: CARMIL2 (capping protein regulator and myosin 1 linker 2; plus strand). Cytogenetic location: 16q22.1.
Variant type: single nucleotide variant.
Coding change: c.901C>A on transcript NM_001013838.3 (MANE Select); coding-DNA position 901, C replaced by A.
Protein change: p.Arg301Ser; replaces arginine 301 with serine.
Molecular consequence: missense variant.
Genome position (GRCh38, 1-based): chr16:67,647,709, C>A. VCF-style: chr16-67647709-C-A. GRCh37 (hg19) VCF-style: chr16-67681612-C-A.
Other names: c.901C>A, p.Arg301Ser (NM_001317026.3); short protein forms R301S.
Identifiers: ClinVar variation 1405829 (VCV001405829.8), dbSNP rs751745931, ClinGen allele CA396333180.